The following is an entry in ClinVar:

ClinVar aggregate classification (germline): Uncertain significance (1 of 4 stars; one submission).

Allele frequency attached by ClinVar (database versions not stated): gnomAD exomes 0.00001; TOPMed 0.00001; gnomAD 0.00001.
gnomAD v4.1: 23 of 1,613,952 alleles (0.0014%); highest among the groups gnomAD compares: Non-Finnish European, 0.0018%; no homozygotes.

Submission:

Labcorp Genetics (formerly Invitae), Labcorp
Classification: Uncertain significance. Last evaluated: 2026-01-25. Review status: criteria provided, single submitter. Criteria: Invitae Variant Classification Sherloc (09022015). Collection method: clinical testing. Allele origin: germline.
Comment: This sequence change replaces histidine, which is basic and polar, with tyrosine, which is neutral and polar, at codon 432 of the RFWD3 protein (p.His432Tyr). This variant is not present in population databases (gnomAD no frequency). This variant has not been reported in the literature in individuals affected with RFWD3-related conditions. ClinVar contains an entry for this variant (Variation ID: 2894920). An algorithm developed to predict the effect of missense changes on protein structure and function (PolyPhen-2) suggests that this variant is likely to be tolerated. In summary, the available evidence is currently insufficient to determine the role of this variant in disease. Therefore, it has been classified as a Variant of Uncertain Significance.

NM_018124.4(RFWD3):c.1294C>T (p.His432Tyr)

Gene: RFWD3 (ring finger and WD repeat domain 3; minus strand). Cytogenetic location: 16q23.1.
Variant type: single nucleotide variant.
Coding change: c.1294C>T on transcript NM_018124.4 (MANE Select); coding-DNA position 1294, C replaced by T.
Protein change: p.His432Tyr; replaces histidine 432 with tyrosine.
Molecular consequence: missense variant.
Genome position (GRCh38, 1-based): chr16:74,636,478, G>A on the plus strand (C>T on the coding strand, the complement: RFWD3 is on the minus strand). VCF-style: chr16-74636478-G-A. GRCh37 (hg19) VCF-style: chr16-74670376-G-A.
Other names: c.1294C>T, p.His432Tyr (NM_001370534.1, NM_001370535.1, NM_001370536.1); c.460C>T, p.His154Tyr (NM_001370537.1, NM_001370539.1, NM_001370540.1 and 3 more transcripts); short protein forms H432Y, H154Y.
Identifiers: ClinVar variation 2894920 (VCV002894920.3), dbSNP rs949592629, ClinGen allele CA283745857.